The following is an entry in ClinVar:

NM_014639.4(SKIC3):c.1069G>A (p.Ala357Thr)

Gene: SKIC3 (SKI3 subunit of superkiller complex; minus strand). Cytogenetic location: 5q15.
Variant type: single nucleotide variant.
Coding change: c.1069G>A on transcript NM_014639.4 (MANE Select); coding-DNA position 1069, G replaced by A.
Protein change: p.Ala357Thr; replaces alanine 357 with threonine.
Molecular consequence: missense variant.
Genome position (GRCh38, 1-based): chr5:95,528,078, C>T on the plus strand (G>A on the coding strand, the complement: SKIC3 is on the minus strand). VCF-style: chr5-95528078-C-T. GRCh37 (hg19) VCF-style: chr5-94863782-C-T.
Other names: short protein forms A357T.
Identifiers: ClinVar variation 1918746 (VCV001918746.5), dbSNP rs1443039577, ClinGen allele CA360465600.

ClinVar aggregate classification (germline): Uncertain significance (1 of 4 stars; one submission).

Allele frequency attached by ClinVar (database versions not stated): gnomAD exomes below 0.00001; TOPMed below 0.00001; gnomAD 0.00001.
gnomAD v4.1: 5 of 1,613,716 alleles (0.00031%); highest among the groups gnomAD compares: Non-Finnish European, 0.00034%; no homozygotes.

Submission:

Labcorp Genetics (formerly Invitae), Labcorp
Classification: Uncertain significance. Last evaluated: 2023-10-13. Review status: criteria provided, single submitter. Criteria: Invitae Variant Classification Sherloc (09022015). Collection method: clinical testing. Allele origin: germline.
Comment: This sequence change replaces alanine, which is neutral and non-polar, with threonine, which is neutral and polar, at codon 357 of the TTC37 protein (p.Ala357Thr). This variant is not present in population databases (gnomAD no frequency). This variant has not been reported in the literature in individuals affected with TTC37-related conditions. ClinVar contains an entry for this variant (Variation ID: 1918746). An algorithm developed to predict the effect of missense changes on protein structure and function (PolyPhen-2) suggests that this variant is likely to be disruptive. In summary, the available evidence is currently insufficient to determine the role of this variant in disease. Therefore, it has been classified as a Variant of Uncertain Significance.